The following is an entry in ClinVar:

ClinVar aggregate classification (germline): Uncertain significance. Review status: criteria provided, multiple submitters, no conflicts (2 of 4 stars). 2 submissions from 2 submitters: Uncertain significance (2). Last evaluated 2025-04-13.

Conditions:
Inborn genetic diseases. Identifiers: MedGen C0950123, MeSH D030342.
Baller-Gerold syndrome (BGS). Also called: CRANIOSYNOSTOSIS WITH RADIAL DEFECTS. Identifiers: Orphanet 1225, MedGen C0265308, MONDO:0009039, OMIM 218600.

Allele frequency attached by ClinVar (database versions not stated): ExAC 0.00002; gnomAD 0.00002; TOPMed 0.00002.
gnomAD v4.1: 6 of 1,595,288 alleles (0.00038%); highest among the groups gnomAD compares: African/African-American, 0.0067%; no homozygotes.

Submissions (2):

Labcorp Genetics (formerly Invitae), Labcorp
Classification: Uncertain significance for Baller-Gerold syndrome. Last evaluated: 2025-04-13. Review status: criteria provided, single submitter. Criteria: Invitae Variant Classification Sherloc (09022015). Collection method: clinical testing. Allele origin: germline.
Comment: This sequence change replaces glycine, which is neutral and non-polar, with serine, which is neutral and polar, at codon 56 of the RECQL4 protein (p.Gly56Ser). The frequency data for this variant in the population databases is considered unreliable, as metrics indicate poor data quality at this position in the gnomAD database. This variant has not been reported in the literature in individuals affected with RECQL4-related conditions. ClinVar contains an entry for this variant (Variation ID: 842711). An algorithm developed to predict the effect of missense changes on protein structure and function outputs the following: PolyPhen-2: "Not Available". The serine amino acid residue is found in multiple mammalian species, which suggests that this missense change does not adversely affect protein function. In summary, the available evidence is currently insufficient to determine the role of this variant in disease. Therefore, it has been classified as a Variant of Uncertain Significance.

Ambry Genetics
Classification: Uncertain significance for Inborn genetic diseases. Last evaluated: 2024-11-22. Review status: criteria provided, single submitter. Criteria: Ambry Variant Classification Scheme 2023. Collection method: clinical testing. Allele origin: germline.
Comment: The p.G56S variant (also known as c.166G>A), located in coding exon 3 of the RECQL4 gene, results from a G to A substitution at nucleotide position 166. The glycine at codon 56 is replaced by serine, an amino acid with similar properties. This amino acid position is conserved. In addition, this alteration is predicted to be tolerated by in silico analysis. Based on the available evidence, the clinical significance of this variant remains unclear.

NM_004260.4(RECQL4):c.166G>A (p.Gly56Ser)

Genes: RECQL4 (RecQ like helicase 4; minus strand), LOC130001411 (ATAC-STARR-seq lymphoblastoid silent region 19699; plus strand). Cytogenetic location: 8q24.3.
Variant type: single nucleotide variant.
Coding change: c.166G>A on transcript NM_004260.4 (MANE Select); coding-DNA position 166, G replaced by A.
Protein change: p.Gly56Ser; replaces glycine 56 with serine.
Molecular consequence: missense variant.
Genome position (GRCh38, 1-based): chr8:144,517,461, C>T on the plus strand (G>A on the coding strand, the complement: RECQL4 is on the minus strand). VCF-style: chr8-144517461-C-T. GRCh37 (hg19) VCF-style: chr8-145742845-C-T.
Other names: short protein forms G56S.
Identifiers: ClinVar variation 842711 (VCV000842711.6), dbSNP rs777837612, ClinGen allele CA4949469.